The following is an entry in ClinVar:

ClinVar aggregate classification (germline): Conflicting classifications of pathogenicity. Review status: criteria provided, conflicting classifications (1 of 4 stars). 9 submissions from 9 submitters: Uncertain significance (1); Benign (2); Likely benign (4). 2 of the submissions do not count toward it. Last evaluated 2026-09-01.

Conditions:
Charcot-Marie-Tooth disease type 4B3. Also called: Charcot-Marie-Tooth Neuropathy Type 4B3; CHARCOT-MARIE-TOOTH DISEASE, DEMYELINATING, TYPE 4B3. Identifiers: Orphanet 363981, MedGen C3695063, MONDO:0014117, OMIM 615284.

Allele frequency attached by ClinVar (database versions not stated): 1000 Genomes Project 0.00060; 1000 Genomes Project 30x 0.00141; gnomAD exomes 0.00222; gnomAD 0.00233; TOPMed 0.00279; ESP Exome Variant Server 0.00298.
gnomAD v4.1: 5,106 of 1,429,302 alleles (0.36%); highest among the groups gnomAD compares: Non-Finnish European, 0.43%; 13 homozygotes.

Submissions (9):

CeGaT Center for Human Genetics Tuebingen
Classification: Likely benign. Last evaluated: 2026-09-01. Review status: criteria provided, single submitter. Criteria: CeGaT Center For Human Genetics Tuebingen Variant Classification Criteria Version 2. Collection method: clinical testing. Allele origin: germline. Affected: yes. Observed: 14 variant alleles.
Comment: SBF1: BP4, BS2

Labcorp Genetics (formerly Invitae), Labcorp
Classification: Likely benign. Last evaluated: 2026-02-03. Review status: criteria provided, single submitter. Criteria: Invitae Variant Classification Sherloc (09022015). Collection method: clinical testing. Allele origin: germline.

ARUP Laboratories, Molecular Genetics and Genomics, ARUP Laboratories
Classification: Benign for Charcot-Marie-Tooth disease type 4B3. Last evaluated: 2025-05-02. Review status: criteria provided, single submitter. Criteria: ARUP Molecular Germline Variant Investigation Process 2024. Collection method: clinical testing. Allele origin: germline.

Blueprint Genetics
Classification: Uncertain significance. Last evaluated: 2024-11-19. Review status: criteria provided, single submitter. Criteria: ACMG Guidelines, 2015. Collection method: clinical testing. Allele origin: germline.

Mayo Clinic Laboratories, Mayo Clinic
Classification: Benign. Last evaluated: 2024-06-14. Review status: criteria provided, single submitter. Criteria: ACMG Guidelines, 2015. Collection method: clinical testing. Allele origin: germline. Observed: 13 variant alleles.
Comment: BS1, BS2, BP4, BP7

GeneDx
Classification: Likely benign. Last evaluated: 2020-09-16. Review status: criteria provided, single submitter. Criteria: GeneDx Variant Classification Process June 2021. Collection method: clinical testing. Allele origin: germline. Affected: yes.

Breakthrough Genomics
Classification: Likely benign. Review status: criteria provided, single submitter. Criteria: ACMG Guidelines, 2015. Collection method: not provided. Allele origin: germline. Inheritance: Autosomal recessive inheritance. Affected: yes.

Clinical Genetics, Academic Medical Center
Classification: Benign. Review status: no assertion criteria provided. Collection method: clinical testing. Allele origin: germline. Affected: yes. Study: VKGL Data-share Consensus. Not counted in ClinVar's aggregate classification.

Diagnostic Laboratory, Department of Genetics, University Medical Center Groningen
Classification: Likely benign. Review status: no assertion criteria provided. Collection method: clinical testing. Allele origin: germline. Affected: yes. Study: VKGL Data-share Consensus. Not counted in ClinVar's aggregate classification.

NM_002972.4(SBF1):c.3904+5C>G

Gene: SBF1 (SET binding factor 1; minus strand). Cytogenetic location: 22q13.33.
Variant type: single nucleotide variant.
Coding change: c.3904+5C>G on transcript NM_002972.4 (MANE Select); 5 bases into the intron after coding-DNA position 3904, C replaced by G.
Molecular consequence: intron variant.
Genome position (GRCh38, 1-based): chr22:50,457,029, G>C on the plus strand (C>G on the coding strand, the complement: SBF1 is on the minus strand). VCF-style: chr22-50457029-G-C. GRCh37 (hg19) VCF-style: chr22-50895458-G-C.
Other names: c.3830-356C>G (NM_001365819.1).
Identifiers: ClinVar variation 440250 (VCV000440250.52), dbSNP rs115032856, ClinGen allele CA10316502.